The following is an entry in ClinVar:

ClinVar aggregate classification (germline): Uncertain significance. Review status: criteria provided, multiple submitters, no conflicts (2 of 4 stars). 2 submissions from 2 submitters: Uncertain significance (2). Last evaluated 2025-07-01.

Conditions:
Inborn genetic diseases. Identifiers: MedGen C0950123, MeSH D030342.
Ellis-van Creveld syndrome (EVC). Also called: EVC-Related Ellis-van Creveld Syndrome; EVC2-Related Ellis-van Creveld Syndrome; Chondroectodermal dysplasia; MESOECTODERMAL DYSPLASIA. Identifiers: Orphanet 289, MedGen C0013903, MONDO:0009162, OMIM 225500.

Allele frequency attached by ClinVar (database versions not stated): gnomAD 0.00004 and 0.00005; TOPMed 0.00004; ESP Exome Variant Server 0.00008.
gnomAD v4.1: 9 of 1,613,992 alleles (0.00056%); highest among the groups gnomAD compares: African/African-American, 0.0093%; no homozygotes.

Submissions (2):

Ambry Genetics
Classification: Uncertain significance for Inborn genetic diseases. Last evaluated: 2025-07-01. Review status: criteria provided, single submitter. Criteria: Ambry Variant Classification Scheme 2023. Collection method: clinical testing. Allele origin: germline.

Baylor Genetics
Classification: Uncertain significance for Ellis-van Creveld syndrome. Last evaluated: 2019-10-29. Review status: criteria provided, single submitter. Criteria: ACMG Guidelines, 2015. Collection method: clinical testing. Allele origin: maternal. Affected: yes.
Comment: This variant was determined to be of uncertain significance according to ACMG Guidelines, 2015 [PMID:25741868].

NM_147127.5(EVC2):c.3696G>T (p.Arg1232Ser)

Gene: EVC2 (EvC ciliary complex subunit 2; minus strand). Cytogenetic location: 4p16.2.
Variant type: single nucleotide variant.
Coding change: c.3696G>T on transcript NM_147127.5 (MANE Select); coding-DNA position 3696, G replaced by T.
Protein change: p.Arg1232Ser; replaces arginine 1232 with serine.
Molecular consequence: missense variant.
Genome position (GRCh38, 1-based): chr4:5,563,079, C>A on the plus strand (G>T on the coding strand, the complement: EVC2 is on the minus strand). VCF-style: chr4-5563079-C-A. GRCh37 (hg19) VCF-style: chr4-5564806-C-A.
Other names: c.3456G>T, p.Arg1152Ser (NM_001166136.2); short protein forms R1152S, R1232S.
Identifiers: ClinVar variation 1027774 (VCV001027774.2), dbSNP rs150551872, ClinGen allele CA2834205.